The following is an entry in ClinVar:

ClinVar aggregate classification (germline): Likely pathogenic (1 of 4 stars; one submission).

Conditions:
Acromesomelic dysplasia 1, Maroteaux type (AMD1). Also called: ST. HELENA DYSPLASIA; ACROMESOMELIC DYSPLASIA 1. Identifiers: Orphanet 40, MedGen C1864356, MONDO:0011275, OMIM 602875.

Allele frequency attached by ClinVar (database versions not stated): gnomAD exomes below 0.00001; ExAC 0.00001.
gnomAD v4.1: 1 of 1,614,154 alleles (0.000062%); highest among the groups gnomAD compares: South Asian, 0.0011%; no homozygotes.

Submission:

3billion
Classification: Likely pathogenic for Acromesomelic dysplasia 1, Maroteaux type. Last evaluated: 2022-01-03. Review status: criteria provided, single submitter. Criteria: ACMG Guidelines, 2015. Collection method: clinical testing. Allele origin: germline. Affected: yes. Observed: 1 heterozygote.
Comment: Stop-gained (nonsense): predicted to result in a loss or disruption of normal protein function through nonsense-mediated decay (NMD) or protein truncation. Multiple pathogenic variants are reported downstream of the variant (PVS1_VS). It is observed at an extremely low frequency in the gnomAD v2.1.1 dataset (total allele frequency: 0.000004, PM2_M). Therefore, this variant is classified as likely pathogenic according to the recommendation of ACMG/AMP guideline.

NM_003995.4(NPR2):c.1577C>A (p.Ser526Ter)

Gene: NPR2 (natriuretic peptide receptor 2; plus strand). Cytogenetic location: 9p13.3.
Variant type: single nucleotide variant.
Coding change: c.1577C>A on transcript NM_003995.4 (MANE Select); coding-DNA position 1577, C replaced by A.
Protein change: p.Ser526Ter; replaces serine 526 with a stop codon.
Molecular consequence: nonsense.
Genome position (GRCh38, 1-based): chr9:35,801,945, C>A. VCF-style: chr9-35801945-C-A. GRCh37 (hg19) VCF-style: chr9-35801942-C-A.
Other names: c.1586C>A, p.Ser529Ter (NM_001378923.1); short protein forms S526*, S529*.
Identifiers: ClinVar variation 1333536 (VCV001333536.1), dbSNP rs756858649, ClinGen allele CA5051736.